The following is an entry in ClinVar:

NM_014264.5(PLK4):c.320C>A (p.Pro107His)

Gene: PLK4 (polo like kinase 4; plus strand). Cytogenetic location: 4q28.1.
Variant type: single nucleotide variant.
Coding change: c.320C>A on transcript NM_014264.5 (MANE Select); coding-DNA position 320, C replaced by A.
Protein change: p.Pro107His; replaces proline 107 with histidine.
Molecular consequence: missense variant.
Genome position (GRCh38, 1-based): chr4:127,883,536, C>A. VCF-style: chr4-127883536-C-A. GRCh37 (hg19) VCF-style: chr4-128804691-C-A.
Other names: c.224C>A, p.Pro75His (NM_001190799.2); c.197C>A, p.Pro66His (NM_001190801.2); short protein forms P75H, P107H, P66H.
Identifiers: ClinVar variation 1352427 (VCV001352427.6), dbSNP rs1735010467, ClinGen allele CA358167746.

ClinVar aggregate classification (germline): Uncertain significance (1 of 4 stars; one submission).

Allele frequency attached by ClinVar (database versions not stated): TOPMed below 0.00001; gnomAD 0.00001.
gnomAD v4.1: 5 of 1,487,666 alleles (0.00034%); highest among the groups gnomAD compares: Non-Finnish European, 0.00047%; no homozygotes.

Submission:

Labcorp Genetics (formerly Invitae), Labcorp
Classification: Uncertain significance. Last evaluated: 2021-03-23. Review status: criteria provided, single submitter. Criteria: Invitae Variant Classification Sherloc (09022015). Collection method: clinical testing. Allele origin: germline.
Comment: In summary, the available evidence is currently insufficient to determine the role of this variant in disease. Therefore, it has been classified as a Variant of Uncertain Significance. Algorithms developed to predict the effect of missense changes on protein structure and function (SIFT, PolyPhen-2, Align-GVGD) all suggest that this variant is likely to be disruptive, but these predictions have not been confirmed by published functional studies and their clinical significance is uncertain. This variant has not been reported in the literature in individuals with PLK4-related conditions. This variant is not present in population databases (ExAC no frequency). This sequence change replaces proline with histidine at codon 107 of the PLK4 protein (p.Pro107His). The proline residue is highly conserved and there is a moderate physicochemical difference between proline and histidine.